The following is an entry in ClinVar:

ClinVar aggregate classification (germline): Likely benign (1 of 4 stars; one submission).

gnomAD v4.1: 2 of 1,614,172 alleles (0.00012%); highest among the groups gnomAD compares: Non-Finnish European, 0.00017%; no homozygotes.

Submission:

Mayo Clinic Laboratories, Mayo Clinic
Classification: Likely benign. Last evaluated: 2025-06-10. Review status: criteria provided, single submitter. Criteria: ACMG Guidelines, 2015. Collection method: clinical testing. Allele origin: germline. Observed: 1 variant allele.
Comment: BP4, BP7, PM2_supporting

NM_003183.6(ADAM17):c.1377T>C (p.Tyr459=)

Genes: ADAM17 (ADAM metallopeptidase domain 17; minus strand), IAH1 (isoamyl acetate hydrolyzing esterase 1 (putative); plus strand). Cytogenetic location: 2p25.1.
Variant type: single nucleotide variant.
Coding change: c.1377T>C on transcript NM_003183.6 (MANE Select); coding-DNA position 1377, T replaced by C.
Protein change: p.Tyr459=; no amino-acid change (tyrosine 459 retained).
Molecular consequence: synonymous variant.
Genome position (GRCh38, 1-based): chr2:9,505,333, A>G on the plus strand (T>C on the coding strand, the complement: ADAM17 is on the minus strand). VCF-style: chr2-9505333-A-G. GRCh37 (hg19) VCF-style: chr2-9645462-A-G.
Other names: p.Tyr459=; c.717T>C, p.Tyr239= (NM_001382777.1); c.480T>C, p.Tyr160= (NM_001382778.1).
Identifiers: ClinVar variation 4684441 (VCV004684441.1).
Genomic context (GRCh38, chr2:9,505,333, plus strand): 5'-CCCACAAACTTTATTGCTGCGTTCTTGAAAACACTCCTGGGCCTTACTTTCAATGGTCTT[A>G]TAGATTGATTGTTTACTGCAGTTTGAAAACATCTTGAGAGAAAAAAGGCAATAAGGACCC-3'
Protein context (NP_003174.3, residues 449-469): MFSNCSKQSI[Tyr459=]KTIESKAQEC